The following is an entry in ClinVar:

NM_000092.5(COL4A4):c.115-2A>G

Gene: COL4A4 (collagen type IV alpha 4 chain; minus strand). Cytogenetic location: 2q36.3.
Variant type: single nucleotide variant.
Coding change: c.115-2A>G on transcript NM_000092.5 (MANE Select); the canonical splice acceptor site of the intron before coding-DNA position 115, A replaced by G.
Molecular consequence: splice acceptor variant.
Genome position (GRCh38, 1-based): chr2:227,140,240, T>C on the plus strand (A>G on the coding strand, the complement: COL4A4 is on the minus strand). VCF-style: chr2-227140240-T-C. GRCh37 (hg19) VCF-style: chr2-228004956-T-C.
Identifiers: ClinVar variation 4884705 (VCV004884705.1).
Genomic context (GRCh38, chr2:227,140,240, plus strand): 5'-ACACAGTGGCAAACAGAGCAATCTCTTCCTCCACAAGGACCAATGTATTTCTTTCCACTC[T>C]GGAAAGTGAAGCATCTTATTTAGTATACCAGTACTCATCGTTTAACTACGTGCATAACAC-3'

ClinVar aggregate classification (germline): Likely pathogenic (1 of 4 stars; one submission).

Conditions:
Hematuria, benign familial, 1 (BFH1). Also called: THIN MEMBRANE NEPHROPATHY. Identifiers: MedGen CN376803, MONDO:0007709, OMIM 141200.

gnomAD v4.1: 4 of 1,613,820 alleles (0.00025%); highest among the groups gnomAD compares: Non-Finnish European, 0.00034%; no homozygotes.

Submission:

Centre de Génétique Humaine, Institut de Pathologie Et de Génétique
Classification: Likely pathogenic for Hematuria, benign familial, 1. Last evaluated: 2026-05-28. Review status: criteria provided, single submitter. Criteria: ACMG Guidelines, 2015. Collection method: clinical testing. Allele origin: germline. Inheritance: Autosomal dominant inheritance. Affected: yes. Observed: 1 variant allele, 1 heterozygote. Segregation with disease not observed.
Comment: Variant located in the canonical acceptor splice site of intron 3 (PVS1). This variant is rare: allelic frequency of 0.00025% in gnomAD v4.1.0 database (PM2).